The following is an entry in ClinVar:

NM_003238.6(TGFB2):c.1169T>C (p.Ile390Thr)

Gene: TGFB2 (transforming growth factor beta 2; plus strand). Cytogenetic location: 1q41.
Variant type: single nucleotide variant.
Coding change: c.1169T>C on transcript NM_003238.6 (MANE Select); coding-DNA position 1169, T replaced by C.
Protein change: p.Ile390Thr; replaces isoleucine 390 with threonine.
Molecular consequence: missense variant. On other transcripts: non-coding transcript variant (2).
Genome position (GRCh38, 1-based): chr1:218,441,286, T>C. VCF-style: chr1-218441286-T-C. GRCh37 (hg19) VCF-style: chr1-218614628-T-C.
Other names: c.1253T>C, p.Ile418Thr (NM_001135599.4); short protein forms I390T, I418T.
Identifiers: ClinVar variation 4820013 (VCV004820013.1).
Genomic context (GRCh38, chr1:218,441,286, plus strand): 5'-TAAATCCAGAAGCATCTGCTTCTCCTTGCTGCGTGTCCCAAGATTTAGAACCTCTAACCA[T>C]TCTCTACTACATTGGCAAAACACCCAAGATTGAACAGCTTTCTAATATGATTGTAAAGTC-3'
Protein context (NP_003229.1, residues 380-400): CVSQDLEPLT[Ile390Thr]LYYIGKTPKI

ClinVar aggregate classification (germline): Likely pathogenic (1 of 4 stars; one submission).

Conditions:
Familial thoracic aortic aneurysm and aortic dissection (TAAD). Also called: Thoracic aortic aneurysms and dissections. Identifiers: Orphanet 91387, MedGen C4707243, MONDO:0019625.

Submission:

Centre of Medical Genetics, University of Antwerp
Classification: Likely pathogenic for Familial thoracic aortic aneurysm and aortic dissection. Last evaluated: 2024-09-06. Review status: criteria provided, single submitter. Criteria: ACMG Guidelines, 2015. Collection method: clinical testing. Allele origin: germline. Affected: yes.
Comment: LP(PM2; PP3-4)